The following is an entry in ClinVar:

ClinVar aggregate classification (germline): Uncertain significance (1 of 4 stars; one submission).

Conditions:
Arrhythmogenic right ventricular dysplasia 13. Also called: Arrhythmogenic right ventricular dysplasia, familial, 13; ARRHYTHMOGENIC RIGHT VENTRICULAR CARDIOMYOPATHY 13. Identifiers: MedGen C3810138, MONDO:0000908, OMIM 615616.

Submission:

Labcorp Genetics (formerly Invitae), Labcorp
Classification: Uncertain significance for Arrhythmogenic right ventricular dysplasia 13. Last evaluated: 2019-05-08. Review status: criteria provided, single submitter. Criteria: Invitae Variant Classification Sherloc (09022015). Collection method: clinical testing. Allele origin: germline.
Comment: This variant is an out-of-frame deletion of the genomic region encompassing exon 4 of the CTNNA3 gene. This is expected to create a premature translational stop signal and result in an absent or disrupted protein product. This variant has not been reported in the literature in individuals with CTNNA3-related conditions. The current clinical and genetic evidence is not sufficient to establish whether loss-of-function variants in CTNNA3 cause disease. In summary, the available evidence is currently insufficient to determine the role of this variant in disease. Therefore, it has been classified as a Variant of Uncertain Significance.

NC_000010.11:g.(?_67539493)_(67539679_?)del

Gene: CTNNA3 (catenin alpha 3; minus strand). Cytogenetic location: 10q21.3.
Variant type: Deletion.
Identifiers: ClinVar variation 830479 (VCV000830479.5).